The following is an entry in ClinVar:

NM_052947.4(ALPK2):c.5561G>C (p.Gly1854Ala)

Gene: ALPK2 (alpha kinase 2; minus strand). Cytogenetic location: 18q21.31.
Variant type: single nucleotide variant.
Coding change: c.5561G>C on transcript NM_052947.4 (MANE Select); coding-DNA position 5561, G replaced by C.
Protein change: p.Gly1854Ala; replaces glycine 1854 with alanine.
Molecular consequence: missense variant.
Genome position (GRCh38, 1-based): chr18:58,524,003, C>G on the plus strand (G>C on the coding strand, the complement: ALPK2 is on the minus strand). VCF-style: chr18-58524003-C-G. GRCh37 (hg19) VCF-style: chr18-56191235-C-G.
Other names: short protein forms G1854A.
Identifiers: ClinVar variation 2497273 (VCV002497273.2), dbSNP rs1219511655, ClinGen allele CA402551602.
Genomic context (GRCh38, chr18:58,524,003, plus strand): 5'-GTGAGGTTAAATTCAGCAGTCACTTTTCCGTAGCTGTTCTTGATGCAGCAGTAATAGAGT[C>G]CCTGGTCCTTCGGACTGGCTTGCACGATGGCAAAGGAAACAGTGGAGTTGTCCCCTGCAC-3'
Protein context (NP_443179.3, residues 1844-1864): AIVQASPKDQ[Gly1854Ala]LYYCCIKNSY

ClinVar aggregate classification (germline): Uncertain significance (1 of 4 stars; one submission).

Allele frequency attached by ClinVar (database versions not stated): gnomAD exomes below 0.00001.
gnomAD v4.1: 2 of 1,614,186 alleles (0.00012%); highest among the groups gnomAD compares: Non-Finnish European, 0.00017%; no homozygotes.

Submission:

Ambry Genetics
Classification: Uncertain significance. Last evaluated: 2022-12-09. Review status: criteria provided, single submitter. Criteria: Ambry Variant Classification Scheme 2023. Collection method: clinical testing. Allele origin: germline.
Comment: The p.G1854A variant (also known as c.5561G>C), located in coding exon 6 of the ALPK2 gene, results from a G to C substitution at nucleotide position 5561. The glycine at codon 1854 is replaced by alanine, an amino acid with similar properties. This amino acid position is conserved. In addition, this alteration is predicted to be deleterious by in silico analysis. Since supporting evidence is limited at this time, the clinical significance of this alteration remains unclear.